The following is an entry in ClinVar:

ClinVar aggregate classification (germline): Uncertain significance (1 of 4 stars; one submission).

Allele frequency attached by ClinVar (database versions not stated): gnomAD exomes below 0.00001.
gnomAD v4.1: 1 of 1,614,166 alleles (0.000062%); highest among the groups gnomAD compares: Non-Finnish European, 0.000085%; no homozygotes.

Submission:

Labcorp Genetics (formerly Invitae), Labcorp
Classification: Uncertain significance. Last evaluated: 2024-03-19. Review status: criteria provided, single submitter. Criteria: Invitae Variant Classification Sherloc (09022015). Collection method: clinical testing. Allele origin: germline.
Comment: This sequence change replaces threonine, which is neutral and polar, with isoleucine, which is neutral and non-polar, at codon 3435 of the KMT2A protein (p.Thr3435Ile). This variant is not present in population databases (gnomAD no frequency). This variant has not been reported in the literature in individuals affected with KMT2A-related conditions. Advanced modeling of protein sequence and biophysical properties (such as structural, functional, and spatial information, amino acid conservation, physicochemical variation, residue mobility, and thermodynamic stability) performed at Invitae indicates that this missense variant is not expected to disrupt KMT2A protein function with a negative predictive value of 95%. In summary, the available evidence is currently insufficient to determine the role of this variant in disease. Therefore, it has been classified as a Variant of Uncertain Significance.

NM_001197104.2(KMT2A):c.10304C>T (p.Thr3435Ile)

Gene: KMT2A (lysine methyltransferase 2A; plus strand). Cytogenetic location: 11q23.3.
Variant type: single nucleotide variant.
Coding change: c.10304C>T on transcript NM_001197104.2 (MANE Select); coding-DNA position 10304, C replaced by T.
Protein change: p.Thr3435Ile; replaces threonine 3435 with isoleucine.
Molecular consequence: missense variant.
Genome position (GRCh38, 1-based): chr11:118,506,196, C>T. VCF-style: chr11-118506196-C-T. GRCh37 (hg19) VCF-style: chr11-118376911-C-T.
Other names: c.10394C>T, p.Thr3465Ile (NM_001412597.1); c.10295C>T, p.Thr3432Ile (NM_005933.4); short protein forms T3435I, T3465I, T3432I.
Identifiers: ClinVar variation 2740115 (VCV002740115.3), dbSNP rs2497029103, ClinGen allele CA382823256.